The following is an entry in ClinVar:

ClinVar aggregate classification (germline): Pathogenic. Review status: criteria provided, single submitter (1 of 4 stars). 2 submissions from 2 submitters: Pathogenic (1). 1 of the submissions does not count toward it. Last evaluated 2019-02-24.

Conditions:
Tuberous sclerosis syndrome (TSC). Also called: Tuberous Sclerosis Complex; Tuberous sclerosis. Identifiers: Orphanet 805, MedGen C0041341, MONDO:0001734.
Tuberous sclerosis 2 (TSC2). Identifiers: Orphanet 805, MedGen C1860707, MONDO:0013199, OMIM 613254.

Submissions (2):

Labcorp Genetics (formerly Invitae), Labcorp
Classification: Pathogenic for Tuberous sclerosis 2. Last evaluated: 2019-02-24. Review status: criteria provided, single submitter. Criteria: Invitae Variant Classification Sherloc (09022015). Collection method: clinical testing. Allele origin: germline.
Comment: This variant is not present in population databases (ExAC no frequency). For these reasons, this variant has been classified as Pathogenic. Loss-of-function variants in TSC2 are known to be pathogenic (PMID: 10205261, 17304050). Algorithms developed to predict the effect of sequence changes on RNA splicing suggest that this variant may create or strengthen a splice site, but this prediction has not been confirmed by published transcriptional studies. This variant has been reported in individuals in the Leiden Open-source Variation Database (PMID: 21520333). ClinVar contains an entry for this variant (Variation ID: 50093). This sequence change creates a premature translational stop signal (p.Cys900*) in the TSC2 gene. It is expected to result in an absent or disrupted protein product.

Tuberous sclerosis database (TSC2)
No classification provided. Condition: TSC. Review status: no classification provided. Criteria: Tuberous Sclerosis Database Assertion Criteria 2015. Collection method: curation. Allele origin: germline. Affected: yes. Not counted in ClinVar's aggregate classification.

Literature cited by the submitters: PubMed 10205261 (cited by Labcorp Genetics (formerly Invitae), Labcorp); PubMed 17304050 (cited by Labcorp Genetics (formerly Invitae), Labcorp); PubMed 21520333 (cited by Labcorp Genetics (formerly Invitae), Labcorp).

NM_000548.5(TSC2):c.2700C>A (p.Cys900Ter)

Gene: TSC2 (TSC complex subunit 2; plus strand). Cytogenetic location: 16p13.3.
Variant type: single nucleotide variant.
Coding change: c.2700C>A on transcript NM_000548.5 (MANE Select); coding-DNA position 2700, C replaced by A.
Protein change: p.Cys900Ter; replaces cysteine 900 with a stop codon.
Molecular consequence: nonsense.
Genome position (GRCh38, 1-based): chr16:2,076,128, C>A. VCF-style: chr16-2076128-C-A. GRCh37 (hg19) VCF-style: chr16-2126129-C-A.
Other names: c.2700C>A, p.Cys900Ter (NM_001077183.3, NM_001114382.3, NM_001363528.2 and 3 more transcripts); c.2589C>A, p.Cys863Ter (NM_001318827.2); c.2553C>A, p.Cys851Ter (NM_001318829.2); c.2100C>A, p.Cys700Ter (NM_001318831.2); c.2733C>A, p.Cys911Ter (NM_001318832.2); short protein forms C900*, C700*, C851*, C863*, C911*.
Identifiers: ClinVar variation 50093 (VCV000050093.11), dbSNP rs45517257, ClinGen allele CA017927.